The following is an entry in ClinVar:

ClinVar aggregate classification (germline): Conflicting classifications of pathogenicity. Review status: criteria provided, conflicting classifications (1 of 4 stars). 2 submissions from 2 submitters: Uncertain significance (1); Likely benign (1). Last evaluated 2025-09-28.

Conditions:
MHC class I deficiency. Identifiers: Orphanet 34592, MedGen C6024714, MONDO:0011476.

Allele frequency attached by ClinVar (database versions not stated): gnomAD 0.00001; gnomAD exomes 0.00002; ExAC 0.00001; TOPMed 0.00002.
gnomAD v4.1: 37 of 1,590,080 alleles (0.0023%); highest among the groups gnomAD compares: Admixed American, 0.0035%; no homozygotes.

Submissions (2):

Labcorp Genetics (formerly Invitae), Labcorp
Classification: Uncertain significance for MHC class I deficiency 1. Last evaluated: 2025-09-28. Review status: criteria provided, single submitter. Criteria: Invitae Variant Classification Sherloc (09022015). Collection method: clinical testing. Allele origin: germline.
Comment: This sequence change replaces arginine, which is basic and polar, with tryptophan, which is neutral and slightly polar, at codon 303 of the TAPBP protein (p.Arg303Trp). This variant is present in population databases (rs747417254, gnomAD 0.006%). This variant has not been reported in the literature in individuals affected with TAPBP-related conditions. ClinVar contains an entry for this variant (Variation ID: 965547). An algorithm developed to predict the effect of missense changes on protein structure and function outputs the following: PolyPhen-2: "Benign". The tryptophan amino acid residue is found in multiple mammalian species, which suggests that this missense change does not adversely affect protein function. In summary, the available evidence is currently insufficient to determine the role of this variant in disease. Therefore, it has been classified as a Variant of Uncertain Significance.

Ambry Genetics
Classification: Likely benign. Last evaluated: 2022-01-26. Review status: criteria provided, single submitter. Criteria: Ambry Variant Classification Scheme 2023. Collection method: clinical testing. Allele origin: germline.

NM_003190.5(TAPBP):c.907C>T (p.Arg303Trp)

Gene: TAPBP (TAP binding protein; minus strand). Cytogenetic location: 6p21.32.
Variant type: single nucleotide variant.
Coding change: c.907C>T on transcript NM_003190.5 (MANE Select); coding-DNA position 907, C replaced by T.
Protein change: p.Arg303Trp; replaces arginine 303 with tryptophan.
Molecular consequence: missense variant.
Genome position (GRCh38, 1-based): chr6:33,304,600, G>A on the plus strand (C>T on the coding strand, the complement: TAPBP is on the minus strand). VCF-style: chr6-33304600-G-A. GRCh37 (hg19) VCF-style: chr6-33272377-G-A.
Other names: c.907C>T, p.Arg303Trp (NM_172208.3); c.646C>T, p.Arg216Trp (NM_172209.3); short protein forms R303W, R216W.
Identifiers: ClinVar variation 965547 (VCV000965547.8), dbSNP rs747417254, ClinGen allele CA3755767.
Genomic context (GRCh38, chr6:33,304,600, plus strand): 5'-AAGGGTAGAAGTGGGACACAAGGCAGAGCAATTCCGGGGGTGCCTCCCCTGGGGCGGCCC[G>A]TGCAAGGGTTGCTGGCATCAGGGACACTTTGGGGGGTTCTGGGGAAAGAGGACGAAATGA-3'
Protein context (NP_003181.3, residues 293-313): KVSLMPATLA[Arg303Trp]AAPGEAPPEL